The following is an entry in ClinVar:

ClinVar aggregate classification (germline): Benign/Likely benign. Review status: criteria provided, multiple submitters, no conflicts (2 of 4 stars). 7 submissions from 6 submitters: Benign (4); Likely benign (3). Last evaluated 2026-01-11.

Conditions:
Fibromuscular dysplasia, multifocal. Identifiers: MedGen C5543412, MONDO:0859151, OMIM 619329.
Ehlers-Danlos syndrome, classic type, 1 (EDSCL1). Also called: EHLERS-DANLOS SYNDROME, GRAVIS TYPE; EHLERS-DANLOS SYNDROME, SEVERE CLASSIC TYPE; Ehlers-Danlos syndrome, type 1; Ehlers-Danlos Syndrome, Classic Type, COL5A1-Related; EDS I. Identifiers: MedGen C0268335, MONDO:0019567, OMIM 130000.

Allele frequency attached by ClinVar (database versions not stated): ExAC 0.00012; gnomAD exomes 0.00014 and 0.00015; ESP Exome Variant Server 0.00015; 1000 Genomes Project 30x 0.00016; TOPMed 0.00017; 1000 Genomes Project 0.00020; gnomAD 0.00022 and 0.00024.
gnomAD v4.1: 258 of 1,613,374 alleles (0.016%); highest among the groups gnomAD compares: Non-Finnish European, 0.019%; no homozygotes.

Submissions (7):

Labcorp Genetics (formerly Invitae), Labcorp
Classification: Likely benign for Ehlers-Danlos syndrome, classic type, 1. Last evaluated: 2026-01-11. Review status: criteria provided, single submitter. Criteria: Invitae Variant Classification Sherloc (09022015). Collection method: clinical testing. Allele origin: germline.

Women's Health and Genetics/Laboratory Corporation of America, LabCorp
Classification: Benign. Last evaluated: 2025-10-23. Review status: criteria provided, single submitter. Criteria: LabCorp Variant Classification Summary - May 2015. Collection method: clinical testing. Allele origin: germline.
Comment: Variant summary: COL5A1 c.4393-19C>T alters a nucleotide located at a position not widely known to affect splicing. Consensus agreement among computation tools predict no significant impact on normal splicing. However, these predictions have yet to be confirmed by functional studies. The variant allele was found at a frequency of 0.00014 in 251156 control chromosomes. The observed variant frequency exceeds the estimated maximal expected allele frequency for disease-causing variants in COL5A1. To our knowledge, no occurrence of c.4393-19C>T in individuals affected with COL5A1-related conditions and no experimental evidence demonstrating its impact on protein function have been reported. ClinVar contains an entry for this variant (Variation ID: 212908). Based on the evidence outlined above, the variant was classified as benign.

ARUP Laboratories, Molecular Genetics and Genomics, ARUP Laboratories
Classification: Likely benign. Last evaluated: 2023-09-28. Review status: criteria provided, single submitter. Criteria: ARUP Molecular Germline Variant Investigation Process 2024. Collection method: clinical testing. Allele origin: germline.

Blueprint Genetics
Classification: Likely benign. Last evaluated: 2023-05-26. Review status: criteria provided, single submitter. Criteria: ACMG Guidelines, 2015. Collection method: clinical testing. Allele origin: germline.

Genome-Nilou Lab
Classification: Benign for Ehlers-Danlos syndrome, classic type, 1. Last evaluated: 2022-03-15. Review status: criteria provided, single submitter. Criteria: ACMG Guidelines, 2015. Collection method: clinical testing. Allele origin: germline. Affected: no.

Genome-Nilou Lab
Classification: Benign for Fibromuscular dysplasia, multifocal. Last evaluated: 2022-03-15. Review status: criteria provided, single submitter. Criteria: ACMG Guidelines, 2015. Collection method: clinical testing. Allele origin: germline. Affected: no.

GeneDx
Classification: Benign. Last evaluated: 2014-11-11. Review status: criteria provided, single submitter. Criteria: GeneDx Variant Classification (06012015). Collection method: clinical testing. Allele origin: germline. Affected: yes.
Comment: This variant is considered likely benign or benign based on one or more of the following criteria: it is a conservative change, it occurs at a poorly conserved position in the protein, it is predicted to be benign by multiple in silico algorithms, and/or has population frequency not consistent with disease.

NM_000093.5(COL5A1):c.4393-19C>T

Gene: COL5A1 (collagen type V alpha 1 chain; plus strand). Cytogenetic location: 9q34.3.
Variant type: single nucleotide variant.
Coding change: c.4393-19C>T on transcript NM_000093.5 (MANE Select); 19 bases into the intron before coding-DNA position 4393, C replaced by T.
Molecular consequence: intron variant.
Genome position (GRCh38, 1-based): chr9:134,818,981, C>T. VCF-style: chr9-134818981-C-T. GRCh37 (hg19) VCF-style: chr9-137710827-C-T.
Other names: c.4393-19C>T (NM_001278074.1).
Identifiers: ClinVar variation 212908 (VCV000212908.20), dbSNP rs186732287, ClinGen allele CA321764.